The following is an entry in ClinVar:

NM_145167.3(PIGM):c.961A>G (p.Thr321Ala)

Gene: PIGM (phosphatidylinositol glycan anchor biosynthesis class M; minus strand). Cytogenetic location: 1q23.2.
Variant type: single nucleotide variant.
Coding change: c.961A>G on transcript NM_145167.3 (MANE Select); coding-DNA position 961, A replaced by G.
Protein change: p.Thr321Ala; replaces threonine 321 with alanine.
Molecular consequence: missense variant.
Genome position (GRCh38, 1-based): chr1:160,030,779, T>C on the plus strand (A>G on the coding strand, the complement: PIGM is on the minus strand). VCF-style: chr1-160030779-T-C. GRCh37 (hg19) VCF-style: chr1-160000569-T-C.
Other names: short protein forms T321A.
Identifiers: ClinVar variation 426742 (VCV000426742.3), dbSNP rs754400391, ClinGen allele CA1192944.

ClinVar aggregate classification (germline): Uncertain significance. Review status: criteria provided, multiple submitters, no conflicts (2 of 4 stars). 2 submissions from 2 submitters: Uncertain significance (2). Last evaluated 2023-12-19.

Allele frequency attached by ClinVar (database versions not stated): gnomAD exomes 0.00001 and 0.00002; ExAC 0.00002; gnomAD 0.00005 and 0.00006; TOPMed 0.00009.

Submissions (2):

Ambry Genetics
Classification: Uncertain significance. Last evaluated: 2023-12-19. Review status: criteria provided, single submitter. Criteria: Ambry Variant Classification Scheme 2023. Collection method: clinical testing. Allele origin: germline.

GeneDx
Classification: Uncertain significance. Last evaluated: 2017-04-06. Review status: criteria provided, single submitter. Criteria: GeneDx Variant Classification (06012015). Collection method: clinical testing. Allele origin: germline. Affected: yes.
Comment: The T321A variant in the PIGM gene has not been reported previously as a pathogenic variant, nor as a benign variant, to our knowledge. The T321A variant is not observed at a significant frequency in large population cohorts (Lek et al., 2016; 1000 Genomes Consortium et al., 2015; Exome Variant Server). The T321A variant is a non-conservative amino acid substitution, which is likely to impact secondary protein structure as these residues differ in polarity, charge, size and/or other properties. This substitution occurs at a position that is conserved across species, and in silico analysis predicts this variant is probably damaging to the protein structure/function. We interpret T321A as a variant of uncertain significance.